The following is an entry in ClinVar:

NM_001089.3(ABCA3):c.863G>A (p.Arg288Lys)

Gene: ABCA3 (ATP binding cassette subfamily A member 3; minus strand). Cytogenetic location: 16p13.3.
Variant type: single nucleotide variant.
Coding change: c.863G>A on transcript NM_001089.3 (MANE Select); coding-DNA position 863, G replaced by A.
Protein change: p.Arg288Lys; replaces arginine 288 with lysine.
Molecular consequence: missense variant.
Genome position (GRCh38, 1-based): chr16:2,319,591, C>T on the plus strand (G>A on the coding strand, the complement: ABCA3 is on the minus strand). VCF-style: chr16-2319591-C-T. GRCh37 (hg19) VCF-style: chr16-2369592-C-T.
Other names: short protein forms R288K.
Identifiers: ClinVar variation 227155 (VCV000227155.51), dbSNP rs117603931, ClinGen allele CA7841496.
Genomic context (GRCh38, chr16:2,319,591, plus strand): 5'-CCAGGACAGCGCGGTTTCTAGAGTGTTGGGGAGCCAAAGCGGGCAGTCACCTTCAGCCTC[C>T]TTTCCTTCTCCTGCACGACAGCACGGGCAATGGTGAGCGCGGTGTAGGTGAAGCTGAGCA-3'
Protein context (NP_001080.2, residues 278-298): IARAVVQEKE[Arg288Lys]RLKEYMRMMG

ClinVar aggregate classification (germline): Conflicting classifications of pathogenicity. Review status: criteria provided, conflicting classifications (1 of 4 stars). 10 submissions from 10 submitters: Uncertain significance (3); Benign (2); Likely benign (5). Last evaluated 2026-07-01.

Conditions:
Hereditary pulmonary alveolar proteinosis. Also called: Pulmonary surfactant metabolism dysfunction. Identifiers: Orphanet 264675, MedGen C3711368, MONDO:0012580.
Interstitial lung disease due to ABCA3 deficiency. Also called: PULMONARY ALVEOLAR PROTEINOSIS, CONGENITAL, 3. Identifiers: Orphanet 440402, MedGen C1970456, MONDO:0012582, OMIM 610921.

Allele frequency attached by ClinVar (database versions not stated): 1000 Genomes Project 0.00220; 1000 Genomes Project 30x 0.00234; TOPMed 0.00556; gnomAD exomes 0.00567; ExAC 0.00593; ESP Exome Variant Server 0.00608; gnomAD 0.00641 and 0.00662.
gnomAD v4.1: 11,334 of 1,612,206 alleles (0.7%); highest among the groups gnomAD compares: Non-Finnish European, 0.85%; 88 homozygotes.

Submissions (10):

CeGaT Center for Human Genetics Tuebingen
Classification: Likely benign. Last evaluated: 2026-07-01. Review status: criteria provided, single submitter. Criteria: CeGaT Center For Human Genetics Tuebingen Variant Classification Criteria Version 2. Collection method: clinical testing. Allele origin: germline. Affected: yes. Observed: 2 variant alleles.
Comment: ABCA3: BP4

Labcorp Genetics (formerly Invitae), Labcorp
Classification: Benign. Last evaluated: 2026-02-04. Review status: criteria provided, single submitter. Criteria: Invitae Variant Classification Sherloc (09022015). Collection method: clinical testing. Allele origin: germline.

Mayo Clinic Laboratories, Mayo Clinic
Classification: Benign. Last evaluated: 2025-08-13. Review status: criteria provided, single submitter. Criteria: ACMG Guidelines, 2015. Collection method: clinical testing. Allele origin: germline. Observed: 1 variant allele.
Comment: BS1, BS2

Genetics and Molecular Pathology, SA Pathology
Classification: Uncertain significance for Interstitial lung disease due to ABCA3 deficiency. Last evaluated: 2021-01-05. Review status: criteria provided, single submitter. Criteria: ACMG Guidelines, 2015. Collection method: clinical testing. Allele origin: germline. Affected: yes.

GeneDx
Classification: Likely benign. Last evaluated: 2020-02-26. Review status: criteria provided, single submitter. Criteria: GeneDx Variant Classification Process June 2021. Collection method: clinical testing. Allele origin: germline. Affected: yes.
Comment: This variant is associated with the following publications: (PMID: 30413314, 24871971, 29255193, 26928390, 23166334, 27374344, 27516224, 16728712, 20981092, 22995991, 22304854, 25073622)

Johns Hopkins Genomics, Johns Hopkins University
Classification: Uncertain significance for Interstitial lung disease due to ABCA3 deficiency. Last evaluated: 2019-09-24. Review status: criteria provided, single submitter. Criteria: ACMG Guidelines, 2015. Collection method: clinical testing. Allele origin: germline.
Comment: This ABCA3 variant (rs117603931) reaches polymorphic frequency (greater or equal than 1%) within the European (non-Finnish) subpopulation in large population datasets (gnomAD: 1324/129014 total alleles; 1.03%; 11 homozygotes). Two submitters in ClinVar classify this variant as likely benign. This variant was previously reported as a potential disease-associated variant, however, in both cases it was located on the same chromosome (in cis) as a second, likely more deleterious ABCA3 variant. Two bioinformatic tools queried predict that this substitution would be tolerated, and the arginine residue at this position is not evolutionarily conserved across the species assessed. Multiple studies suggest that this variant may impact the function of ABCA3. Per our review and consultation with a clinical expert, this variant may contribute to an increased risk of neonatal respiratory distress in combination with other genetic and environmental factors. The clinical significance of c.863G>A is uncertain at this time.

Ambry Genetics
Classification: Likely benign for Hereditary pulmonary alveolar proteinosis. Last evaluated: 2017-05-02. Review status: criteria provided, single submitter. Criteria: Ambry Variant Classification Scheme 2023. Collection method: clinical testing. Allele origin: germline.

Illumina Laboratory Services, Illumina
Classification: Uncertain significance for Interstitial lung disease due to ABCA3 deficiency. Last evaluated: 2017-04-27. Review status: criteria provided, single submitter. Criteria: ICSL Variant Classification Criteria 13 December 2019. Collection method: clinical testing. Allele origin: germline.
Comment: This variant was observed as part of a predisposition screen in an ostensibly healthy population. A literature search was performed for the gene, cDNA change, and amino acid change (where applicable). Publications were found based on this search. However, the evidence from the literature, in combination with allele frequency data from public databases where available, was not sufficient to rule this variant in or out of causing disease. Therefore, this variant is classified as a variant of unknown significance.

Center for Pediatric Genomic Medicine, Children's Mercy Hospital and Clinics
Classification: Likely benign. Last evaluated: 2017-02-27. Review status: criteria provided, single submitter. Criteria: ACMG Guidelines, 2015. Collection method: clinical testing. Allele origin: germline.

Laboratory for Molecular Medicine, Mass General Brigham Personalized Medicine
Classification: Likely benign. Last evaluated: 2015-01-15. Review status: criteria provided, single submitter. Criteria: LMM Criteria. Collection method: clinical testing. Allele origin: germline. Observed: 1 variant allele.
Comment: p.Arg288Lys in exon 8 of ABCA3: This variant is not expected to have clinical si gnificance because it has been identified in 0.95% (642/67532) of European chrom osomes by the Exome Aggregation Consortium (ExAC ; dbSNP rs117603931). In addition, multiple mammals (>10) carry a lysine (Lys) a t this position, supporting that this change is tolerated. While this variant ha s been reported in 2 individuals with pulmonary disease (Brasch 2006, Copertino 2012), its frequency in the general population and presence of the variant amino acid in multiple mammals supports that this variant is not likely a primary cau se of disease.

Literature cited by the submitters: PubMed 16728712 (cited by 3 submitters); PubMed 22304854 (cited by 4 submitters); PubMed 22434821 (cited by Ambry Genetics); PubMed 23166334 (cited by Ambry Genetics and Illumina Laboratory Services, Illumina); PubMed 26928390 (cited by Ambry Genetics); PubMed 7374344 (cited by Ambry Genetics); PubMed 18492541 (cited by Illumina Laboratory Services, Illumina); PubMed 22995991 (cited by Laboratory for Molecular Medicine, Mass General Brigham Personalized Medicine).